The following is an entry in ClinVar:

ClinVar aggregate classification (germline): Pathogenic (1 of 4 stars; one submission).

Conditions:
Long QT syndrome (LQTS). Identifiers: MedGen C0023976, MeSH D008133, MONDO:0002442. Disease mechanism: loss of function. Inheritance: Various modes of inheritance.

Submission:

Labcorp Genetics (formerly Invitae), Labcorp
Classification: Pathogenic for Long QT syndrome. Last evaluated: 2023-08-11. Review status: criteria provided, single submitter. Criteria: Invitae Variant Classification Sherloc (09022015). Collection method: clinical testing. Allele origin: germline.
Comment: This sequence change affects a donor splice site in intron 2 of the KCNQ1 gene. RNA analysis indicates that disruption of this splice site induces altered splicing and may result in an absent or disrupted protein product. This variant is not present in population databases (gnomAD no frequency). Disruption of this splice site has been observed in individual(s) with Jervell and Lange-Nielsen syndrome (PMID: 16987820, 22629021, 24552659). In at least one individual the data is consistent with being in trans (on the opposite chromosome) from a pathogenic variant. Studies have shown that disruption of this splice site results in skipping of exon 2 (also known as exon 1 in the literature) and introduces a premature termination codon (PMID: 16987820). The resulting mRNA is expected to undergo nonsense-mediated decay. For these reasons, this variant has been classified as Pathogenic.

Literature cited by the submitters: PubMed 16987820; PubMed 22629021; PubMed 24552659.

NM_000218.3(KCNQ1):c.477+1G>C

Gene: KCNQ1 (potassium voltage-gated channel subfamily Q member 1; plus strand). Cytogenetic location: 11p15.5.
Variant type: single nucleotide variant.
Coding change: c.477+1G>C on transcript NM_000218.3 (MANE Select); the canonical splice donor site of the intron after coding-DNA position 477, G replaced by C.
Molecular consequence: splice donor variant.
Genome position (GRCh38, 1-based): chr11:2,528,019, G>C. VCF-style: chr11-2528019-G-C. GRCh37 (hg19) VCF-style: chr11-2549249-G-C.
Other names: c.207+1G>C (NM_001406837.1); c.477+1G>C (NM_001406836.1, NM_001406838.1); c.96+1G>C (NM_181798.2).
Identifiers: ClinVar variation 2724418 (VCV002724418.3), dbSNP rs762814879, ClinGen allele CA379122251.